The following is an entry in ClinVar:

NM_001040142.2(SCN2A):c.2500A>G (p.Ser834Gly)

Gene: SCN2A (sodium voltage-gated channel alpha subunit 2; plus strand). Cytogenetic location: 2q24.3.
Variant type: single nucleotide variant.
Coding change: c.2500A>G on transcript NM_001040142.2 (MANE Select); coding-DNA position 2500, A replaced by G.
Protein change: p.Ser834Gly; replaces serine 834 with glycine.
Molecular consequence: missense variant.
Genome position (GRCh38, 1-based): chr2:165,342,407, A>G. VCF-style: chr2-165342407-A-G. GRCh37 (hg19) VCF-style: chr2-166198917-A-G.
Other names: c.2500A>G, p.Ser834Gly (NM_001040143.2, NM_001371246.1, NM_001371247.1 and 1 more transcripts); short protein forms S834G.
Identifiers: ClinVar variation 3776093 (VCV003776093.1).

ClinVar aggregate classification (germline): Uncertain significance (1 of 4 stars; one submission).

Conditions:
Developmental and epileptic encephalopathy, 11 (DEE11). Also called: Early infantile epileptic encephalopathy 11. Identifiers: Orphanet 1934, MedGen C3150987, MONDO:0013388, OMIM 613721.

Submission:

3billion
Classification: Uncertain significance for Developmental and epileptic encephalopathy, 11. Last evaluated: 2024-02-20. Review status: criteria provided, single submitter. Criteria: ACMG Guidelines, 2015. Collection method: clinical testing. Allele origin: germline. Affected: yes.
Comment: The variant is not observed in the gnomAD v2.1.1 dataset. Predicted Consequence/Location: Missense variant In silico tool predictions suggest damaging effect of the variant on gene or gene product [REVEL: 0.95 (>=0.6, sensitivity 0.68 and specificity 0.92); 3Cnet: 0.77 (>=0.6, sensitivity 0.72 and precision 0.9)]. A different missense change at the same codon (p.Ser834Asn) has been reported as pathogenic/likely pathogenic with strong evidence (ClinVar ID: VCV000870189). Therefore, this variant is classified as VUS according to the recommendation of ACMG/AMP guideline.